The following is an entry in ClinVar:

NM_006361.6(HOXB13):c.820G>A (p.Val274Ile)

Gene: HOXB13 (homeobox B13; minus strand). Cytogenetic location: 17q21.32.
Variant type: single nucleotide variant.
Coding change: c.820G>A on transcript NM_006361.6 (MANE Select); coding-DNA position 820, G replaced by A.
Protein change: p.Val274Ile; replaces valine 274 with isoleucine.
Molecular consequence: missense variant.
Genome position (GRCh38, 1-based): chr17:48,726,825, C>T on the plus strand (G>A on the coding strand, the complement: HOXB13 is on the minus strand). VCF-style: chr17-48726825-C-T. GRCh37 (hg19) VCF-style: chr17-46804187-C-T.
Other names: short protein forms V274I.
Identifiers: ClinVar variation 1482770 (VCV001482770.11), dbSNP rs755838178, ClinGen allele CA400105408.

ClinVar aggregate classification (germline): Uncertain significance. Review status: criteria provided, multiple submitters, no conflicts (2 of 4 stars). 2 submissions from 2 submitters: Uncertain significance (2). Last evaluated 2024-06-17.

Conditions:
Hereditary cancer-predisposing syndrome. Also called: Tumor predisposition; Hereditary Cancer Syndrome; Hereditary neoplastic syndrome; Neoplastic Syndromes, Hereditary. Identifiers: Orphanet 140162, MedGen C0027672, MeSH D009386, MONDO:0015356.

Allele frequency attached by ClinVar (database versions not stated): TOPMed 0.00001.
gnomAD v4.1: 3 of 1,614,188 alleles (0.00019%); highest among the groups gnomAD compares: South Asian, 0.0011%; no homozygotes.

Submissions (2):

Labcorp Genetics (formerly Invitae), Labcorp
Classification: Uncertain significance. Last evaluated: 2024-06-17. Review status: criteria provided, single submitter. Criteria: Invitae Variant Classification Sherloc (09022015). Collection method: clinical testing. Allele origin: germline.
Comment: This sequence change replaces valine, which is neutral and non-polar, with isoleucine, which is neutral and non-polar, at codon 274 of the HOXB13 protein (p.Val274Ile). This variant is not present in population databases (gnomAD no frequency). This variant has not been reported in the literature in individuals affected with HOXB13-related conditions. ClinVar contains an entry for this variant (Variation ID: 1482770). Advanced modeling of protein sequence and biophysical properties (such as structural, functional, and spatial information, amino acid conservation, physicochemical variation, residue mobility, and thermodynamic stability) performed at Invitae indicates that this missense variant is not expected to disrupt HOXB13 protein function with a negative predictive value of 80%. In summary, the available evidence is currently insufficient to determine the role of this variant in disease. Therefore, it has been classified as a Variant of Uncertain Significance.

Ambry Genetics
Classification: Uncertain significance for Hereditary cancer-predisposing syndrome. Last evaluated: 2024-05-09. Review status: criteria provided, single submitter. Criteria: Ambry Variant Classification Scheme 2023. Collection method: clinical testing. Allele origin: germline.
Comment: The p.V274I variant (also known as c.820G>A), located in coding exon 2 of the HOXB13 gene, results from a G to A substitution at nucleotide position 820. The valine at codon 274 is replaced by isoleucine, an amino acid with highly similar properties. This amino acid position is conserved. In addition, this alteration is predicted to be tolerated by in silico analysis. Since supporting evidence is limited at this time, the clinical significance of this alteration remains unclear.